The following is an entry in ClinVar:

ClinVar aggregate classification (germline): Uncertain significance (1 of 4 stars; one submission).

Conditions:
Malignant hyperthermia, susceptibility to, 5 (MHS5). Also called: CACNA1S-Related Malignant Hyperthermia Susceptibility. Identifiers: Orphanet 423, MedGen C1866077, MONDO:0011163, OMIM 601887.

Submission:

All of Us Research Program, National Institutes of Health
Classification: Uncertain significance for Malignant hyperthermia, susceptibility to, 5. Last evaluated: 2023-08-15. Review status: criteria provided, single submitter. Criteria: ACMG Guidelines, 2015. Collection method: clinical testing. Allele origin: germline. Inheritance: Autosomal dominant inheritance. Observed: 1 variant allele, 1 heterozygote.
Comment: This variant deletes 10 nucleotides in exon 40 of the CACNA1S gene, creating a frameshift and premature translation stop signal. This variant is expected to result in an absent or non-functional protein product. To our knowledge, this variant has not been reported in individuals affected with CACNA1S-related disorders in the literature. This variant has not been identified in the general population by the Genome Aggregation Database (gnomAD). Loss of CACNA1S gene function due to haploinsufficiency is not an established disease mechanism for autosomal dominant malignant hyperthermia. Due to insufficient evidence, this variant is classified as a Variant of Uncertain Significance for autosomal dominant malignant hyperthermia.

This study involves interpretation of variants in research participants for the purpose of population health screening. Participant phenotype was not available at the time of variant classification. Additional details can be found in publication PMID: 35346344, PMCID: PMC8962531

NM_000069.3(CACNA1S):c.4916_4925del (p.Glu1639fs)

Gene: CACNA1S (calcium voltage-gated channel subunit alpha1 S; minus strand). Cytogenetic location: 1q32.1.
Variant type: Deletion.
Coding change: c.4916_4925del on transcript NM_000069.3 (MANE Select); coding-DNA positions 4916 to 4925, 10 bases deleted (AGTCACCTGT; older notation c.4916_4925delAGTCACCTGT).
Protein change: p.Glu1639fs; shifts the reading frame from glutamic acid 1639.
Molecular consequence: frameshift variant.
Genome position (GRCh38, 1-based): chr1:201,043,404-201,043,413, ACAGGTGACT deleted on the plus strand (AGTCACCTGT on the coding strand, the reverse complement: CACNA1S is on the minus strand). VCF-style (leftmost placement, unchanged base first): chr1-201043403-GACAGGTGACT-G. GRCh37 (hg19) VCF-style: chr1-201012531-GACAGGTGACT-G.
Other names: short protein forms E1639fs.
Identifiers: ClinVar variation 3073010 (VCV003073010.1), dbSNP rs2464410945, ClinGen allele CA2825000899.